The following is an entry in ClinVar:

NM_007294.4(BRCA1):c.514C>A (p.Gln172Lys)

Gene: BRCA1 (BRCA1 DNA repair associated; minus strand). Cytogenetic location: 17q21.31.
Variant type: single nucleotide variant.
Coding change: c.514C>A on transcript NM_007294.4 (MANE Select); coding-DNA position 514, C replaced by A.
Protein change: p.Gln172Lys; replaces glutamine 172 with lysine.
Molecular consequence: missense variant. On other transcripts: intron variant (2).
Genome position (GRCh38, 1-based): chr17:43,099,808, G>T on the plus strand (C>A on the coding strand, the complement: BRCA1 is on the minus strand). VCF-style: chr17-43099808-G-T. GRCh37 (hg19) VCF-style: chr17-41251825-G-T.
Other names: c.514C>A, p.Gln172Lys (NM_001408439.1, NM_001408440.1, NM_001408441.1 and 97 more transcripts); c.511C>A, p.Gln171Lys (NM_001408445.1, NM_001408446.1, NM_001408447.1 and 65 more transcripts); c.379C>A, p.Gln127Lys (NM_001408451.1); c.373C>A, p.Gln125Lys (NM_001408452.1, NM_001408453.1, NM_001408454.1 and 61 more transcripts); c.370C>A, p.Gln124Lys (NM_001408462.1, NM_001408463.1, NM_001408464.1 and 35 more transcripts); c.436C>A, p.Gln146Lys (NM_001408474.1, NM_001408476.1, NM_001407653.1 and 12 more transcripts); c.433C>A, p.Gln145Lys (NM_001408475.1, NM_001407659.1, NM_001407660.1 and 6 more transcripts); c.304C>A, p.Gln102Lys (NM_001408478.1, NM_001408479.1, NM_001408480.1 and 37 more transcripts); and 5 more; short protein forms Q101K, Q102K, Q124K, Q125K, Q127K, Q145K, Q146K, Q169K.
Identifiers: ClinVar variation 3226171 (VCV003226171.1), dbSNP rs80356947, ClinGen allele CA10601117.
Genomic context (GRCh38, chr17:43,099,808, plus strand): 5'-AATACTTAAAAAACCTGAGACCCTTACCCAATTCAATGTAGACAGACGTCTTTTGAGGTT[G>T]TATCCGCTGCTTTGTCCTCAGAGTTCTCACAGTTCCAAGGTTAGAGAGTTGGACACTGAG-3'
Protein context (NP_009225.1, residues 162-182): VRTLRTKQRI[Gln172Lys]PQKTSVYIEL

ClinVar aggregate classification (germline): Uncertain significance (1 of 4 stars; one submission).

Conditions:
Hereditary cancer-predisposing syndrome. Also called: Neoplastic Syndromes, Hereditary; Tumor predisposition; Hereditary neoplastic syndrome; Hereditary Cancer Syndrome. Identifiers: Orphanet 140162, MedGen C0027672, MeSH D009386, MONDO:0015356.

Submission:

Ambry Genetics
Classification: Uncertain significance for Hereditary cancer-predisposing syndrome. Last evaluated: 2023-12-20. Review status: criteria provided, single submitter. Criteria: Ambry Variant Classification Scheme 2023. Collection method: clinical testing. Allele origin: germline.
Comment: The p.Q172K variant (also known as c.514C>A), located in coding exon 6 of the BRCA1 gene, results from a C to A substitution at nucleotide position 514. The glutamine at codon 172 is replaced by lysine, an amino acid with similar properties. This alteration showed no functional impact in a multiplex homology-directed DNA repair assay (Starita LM et al. Am J Hum Genet, 2018 Oct;103:498-508). This amino acid position is well conserved in available vertebrate species. In addition, this alteration is predicted to be deleterious by in silico analysis. Since supporting evidence is limited at this time, the clinical significance of this alteration remains unclear.

Literature cited by the submitters: PubMed 30219179.